The following is an entry in ClinVar:

ClinVar aggregate classification (germline): Uncertain significance. Review status: criteria provided, multiple submitters, no conflicts (2 of 4 stars). 4 submissions from 4 submitters: Uncertain significance (4). Last evaluated 2025-11-27.

Conditions:
Oligodontia-cancer predisposition syndrome. Also called: TOOTH AGENESIS-COLORECTAL CANCER SYNDROME. Identifiers: Orphanet 300576, MedGen C1837750, MONDO:0012075, OMIM 608615. Disease mechanism: loss of function.
Colorectal cancer. Also called: Malignant Colorectal Neoplasm; Colorectal cancer, somatic. Identifiers: MedGen C0346629, MONDO:0005575, OMIM 114500.
Hereditary cancer-predisposing syndrome. Also called: Hereditary neoplastic syndrome; Tumor predisposition; Neoplastic Syndromes, Hereditary; Hereditary Cancer Syndrome. Identifiers: Orphanet 140162, MedGen C0027672, MeSH D009386, MONDO:0015356.

Allele frequency attached by ClinVar (database versions not stated): gnomAD exomes below 0.00001 and 0.00001; ExAC 0.00001; TOPMed 0.00001.
gnomAD v4.1: 3 of 1,614,208 alleles (0.00019%); highest among the groups gnomAD compares: African/African-American, 0.0027%; no homozygotes.

Submissions (4):

Labcorp Genetics (formerly Invitae), Labcorp
Classification: Uncertain significance for Oligodontia-cancer predisposition syndrome. Last evaluated: 2025-11-27. Review status: criteria provided, single submitter. Criteria: Invitae Variant Classification Sherloc (09022015). Collection method: clinical testing. Allele origin: germline.
Comment: This sequence change replaces aspartic acid, which is acidic and polar, with glutamic acid, which is acidic and polar, at codon 824 of the AXIN2 protein (p.Asp824Glu). This variant is present in population databases (rs767106022, gnomAD 0.01%). This variant has not been reported in the literature in individuals affected with AXIN2-related conditions. ClinVar contains an entry for this variant (Variation ID: 571013). Invitae Evidence Modeling of protein sequence and biophysical properties (such as structural, functional, and spatial information, amino acid conservation, physicochemical variation, residue mobility, and thermodynamic stability) indicates that this missense variant is not expected to disrupt AXIN2 protein function with a negative predictive value of 80%. In summary, the available evidence is currently insufficient to determine the role of this variant in disease. Therefore, it has been classified as a Variant of Uncertain Significance.

Ambry Genetics
Classification: Uncertain significance for Hereditary cancer-predisposing syndrome. Last evaluated: 2025-04-12. Review status: criteria provided, single submitter. Criteria: Ambry Variant Classification Scheme 2023. Collection method: clinical testing. Allele origin: germline.
Comment: The p.D824E variant (also known as c.2472T>A), located in coding exon 10 of the AXIN2 gene, results from a T to A substitution at nucleotide position 2472. The aspartic acid at codon 824 is replaced by glutamic acid, an amino acid with highly similar properties. This alteration was identified in an individual diagnosed with colorectal cancer (DeRycke MS et al. Mol Genet Genomic Med, 2017 Sep;5:553-569). This amino acid position is highly conserved in available vertebrate species. In addition, the in silico prediction for this alteration is inconclusive. Since supporting evidence is limited at this time, the clinical significance of this alteration remains unclear.

GeneDx
Classification: Uncertain significance. Last evaluated: 2024-04-16. Review status: criteria provided, single submitter. Criteria: GeneDx Variant Classification Process June 2021. Collection method: clinical testing. Allele origin: germline. Affected: yes.
Comment: Not observed at significant frequency in large population cohorts (gnomAD); In silico analysis supports that this missense variant has a deleterious effect on protein structure/function; Observed in individual(s) with colorectal cancer (PMID: 28944238); This variant is associated with the following publications: (PMID: 28944238, 15735151)

Fulgent Genetics
Classification: Uncertain significance for Colorectal cancer; Oligodontia-cancer predisposition syndrome. Last evaluated: 2024-02-08. Review status: criteria provided, single submitter. Criteria: ACMG Guidelines, 2015. Collection method: clinical testing. Allele origin: germline.

Literature cited by the submitters: PubMed 28944238 (cited by Ambry Genetics).

NM_004655.4(AXIN2):c.2472T>A (p.Asp824Glu)

Gene: AXIN2 (axin 2; minus strand). Cytogenetic location: 17q24.1.
Variant type: single nucleotide variant.
Coding change: c.2472T>A on transcript NM_004655.4 (MANE Select); coding-DNA position 2472, T replaced by A.
Protein change: p.Asp824Glu; replaces aspartic acid 824 with glutamic acid.
Molecular consequence: missense variant.
Genome position (GRCh38, 1-based): chr17:65,530,036, A>T on the plus strand (T>A on the coding strand, the complement: AXIN2 is on the minus strand). VCF-style: chr17-65530036-A-T. GRCh37 (hg19) VCF-style: chr17-63526154-A-T.
Other names: c.2472T>A (LRG_296t1); c.2277T>A, p.Asp759Glu (NM_001363813.1); short protein forms D824E, D759E.
Identifiers: ClinVar variation 571013 (VCV000571013.17), dbSNP rs767106022, ClinGen allele CA8718284.